The following is an entry in ClinVar:

ClinVar aggregate classification (germline): Likely pathogenic (1 of 4 stars; one submission).

Conditions:
Global developmental delay (DD). Also called: Cognitive delay. Identifiers: MedGen C0557874, HP:0001263. Disease mechanism: loss of function.

Submission:

3billion
Classification: Likely pathogenic for Global developmental delay. Last evaluated: 2021-10-25. Review status: criteria provided, single submitter. Criteria: ACMG Guidelines, 2015. Collection method: clinical testing. Allele origin: unknown. Affected: yes. Observed: 1 heterozygote.
Comment: Canonical splice site: predicted to alter splicing and result in a loss or disruption of normal protein function through nonsense-mediated decay (NMD) or protein truncation. Multiple pathogenic variants are reported downstream of the variant (PVS1). It is not observed in the gnomAD v2.1.1 dataset (PM2). Therefore, this variant is classified as likley pathogenic according to the recommendation of ACMG/AMP guideline.

NM_002332.3(LRP1):c.4966+1G>T

Gene: LRP1 (LDL receptor related protein 1; plus strand). Cytogenetic location: 12q13.3.
Variant type: single nucleotide variant.
Coding change: c.4966+1G>T on transcript NM_002332.3 (MANE Select); the canonical splice donor site of the intron after coding-DNA position 4966, G replaced by T.
Molecular consequence: splice donor variant.
Genome position (GRCh38, 1-based): chr12:57,179,557, G>T. VCF-style: chr12-57179557-G-T. GRCh37 (hg19) VCF-style: chr12-57573340-G-T.
Identifiers: ClinVar variation 1321297 (VCV001321297.1), dbSNP rs2136703640, ClinGen allele CA385417449.